The following is an entry in ClinVar:

ClinVar aggregate classification (germline): Uncertain significance (1 of 4 stars; one submission).

Allele frequency attached by ClinVar (database versions not stated): ExAC 0.00025; gnomAD 0.00039; 1000 Genomes Project 0.00040; TOPMed 0.00044; 1000 Genomes Project 30x 0.00047; ESP Exome Variant Server 0.00062; gnomAD exomes 0.00064.
gnomAD v4.1: 977 of 1,613,874 alleles (0.061%); highest among the groups gnomAD compares: Non-Finnish European, 0.078%; no homozygotes.

Submission:

Labcorp Genetics (formerly Invitae), Labcorp
Classification: Uncertain significance. Last evaluated: 2025-06-12. Review status: criteria provided, single submitter. Criteria: Invitae Variant Classification Sherloc (09022015). Collection method: clinical testing. Allele origin: germline.
Comment: This sequence change replaces aspartic acid, which is acidic and polar, with glutamic acid, which is acidic and polar, at codon 567 of the NUP133 protein (p.Asp567Glu). This variant is present in population databases (rs142046957, gnomAD 0.05%), and has an allele count higher than expected for a pathogenic variant. This variant has not been reported in the literature in individuals affected with NUP133-related conditions. ClinVar contains an entry for this variant (Variation ID: 2713692). An algorithm developed to predict the effect of missense changes on protein structure and function (PolyPhen-2) suggests that this variant is likely to be disruptive. In summary, the available evidence is currently insufficient to determine the role of this variant in disease. Therefore, it has been classified as a Variant of Uncertain Significance.

NM_018230.3(NUP133):c.1701C>A (p.Asp567Glu)

Gene: NUP133 (nucleoporin 133; minus strand). Cytogenetic location: 1q42.13.
Variant type: single nucleotide variant.
Coding change: c.1701C>A on transcript NM_018230.3 (MANE Select); coding-DNA position 1701, C replaced by A.
Protein change: p.Asp567Glu; replaces aspartic acid 567 with glutamic acid.
Molecular consequence: missense variant.
Genome position (GRCh38, 1-based): chr1:229,477,652, G>T on the plus strand (C>A on the coding strand, the complement: NUP133 is on the minus strand). VCF-style: chr1-229477652-G-T. GRCh37 (hg19) VCF-style: chr1-229613399-G-T.
Other names: short protein forms D567E.
Identifiers: ClinVar variation 2713692 (VCV002713692.3), dbSNP rs142046957, ClinGen allele CA1443473.